The following is an entry in ClinVar:

NM_022765.4(MICAL1):c.1877C>T (p.Pro626Leu)

Gene: MICAL1 (microtubule associated monooxygenase, calponin and LIM domain containing 1; minus strand). Cytogenetic location: 6q21.
Variant type: single nucleotide variant.
Coding change: c.1877C>T on transcript NM_022765.4 (MANE Select); coding-DNA position 1877, C replaced by T.
Protein change: p.Pro626Leu; replaces proline 626 with leucine.
Molecular consequence: missense variant.
Genome position (GRCh38, 1-based): chr6:109,447,942, G>A on the plus strand (C>T on the coding strand, the complement: MICAL1 is on the minus strand). VCF-style: chr6-109447942-G-A. GRCh37 (hg19) VCF-style: chr6-109769145-G-A.
Other names: c.1619C>T, p.Pro540Leu (NM_001159291.2); c.1934C>T, p.Pro645Leu (NM_001286613.2); short protein forms P540L, P645L, P626L.
Identifiers: ClinVar variation 1521107 (VCV001521107.6), dbSNP rs2115328892, ClinGen allele CA365226736.
Genomic context (GRCh38, chr6:109,447,942, plus strand): 5'-CGGGATCGCTGCAGGGTCCTCTGAAGTTTACTAAGGAATAATACAGCACTGGAGGTCCCT[G>A]GGGAGGCCTGGCTGACAGGGCCTGCGGGGAGAGCCAGGGCATCAGTGTGGATGGGGGGTG-3'
Protein context (NP_073602.3, residues 616-636): HSPGPVSQAS[Pro626Leu]GTSSAVLFLS

ClinVar aggregate classification (germline): Uncertain significance (1 of 4 stars; one submission).

Submission:

Labcorp Genetics (formerly Invitae), Labcorp
Classification: Uncertain significance. Last evaluated: 2026-01-12. Review status: criteria provided, single submitter. Criteria: Invitae Variant Classification Sherloc (09022015). Collection method: clinical testing. Allele origin: germline.
Comment: This sequence change replaces proline, which is neutral and non-polar, with leucine, which is neutral and non-polar, at codon 645 of the MICAL1 protein (p.Pro645Leu). This variant is not present in population databases (gnomAD no frequency). This variant has not been reported in the literature in individuals affected with MICAL1-related conditions. ClinVar contains an entry for this variant (Variation ID: 1521107). An algorithm developed to predict the effect of missense changes on protein structure and function outputs the following: PolyPhen-2: "Benign". The leucine amino acid residue is found in multiple mammalian species, which suggests that this missense change does not adversely affect protein function. In summary, the available evidence is currently insufficient to determine the role of this variant in disease. Therefore, it has been classified as a Variant of Uncertain Significance.